The following is an entry in ClinVar:

NM_001282717.2(STAG3):c.1066-9C>T

Gene: STAG3 (STAG3 cohesin complex component; plus strand). Cytogenetic location: 7q22.1.
Variant type: single nucleotide variant.
Coding change: c.1066-9C>T on transcript NM_001282717.2 (MANE Select); 9 bases into the intron before coding-DNA position 1066, C replaced by T.
Molecular consequence: intron variant.
Genome position (GRCh38, 1-based): chr7:100,197,769, C>T. VCF-style: chr7-100197769-C-T. GRCh37 (hg19) VCF-style: chr7-99795392-C-T.
Other names: c.1066-9C>T (NM_001282716.1, NM_012447.4, NM_001375438.1); c.892-9C>T (NM_001282718.2).
Identifiers: ClinVar variation 3053376 (VCV003053376.2), dbSNP rs374389919, ClinGen allele CA4378312.

ClinVar aggregate classification (germline): Likely benign (0 of 4 stars; one submission).

Conditions:
STAG3-related disorder. Also called: STAG3-related condition.

Allele frequency attached by ClinVar (database versions not stated): ExAC 0.00015; ESP Exome Variant Server 0.00015; gnomAD 0.00019; TOPMed 0.00020; gnomAD exomes 0.00019.
gnomAD v4.1: 312 of 1,611,082 alleles (0.019%); highest among the groups gnomAD compares: Admixed American, 0.057%; no homozygotes.

Submission:

PreventionGenetics, part of Exact Sciences
Classification: Likely benign for STAG3-related condition. Last evaluated: 2019-08-27. Review status: no assertion criteria provided. Collection method: clinical testing. Allele origin: germline.
Comment: This variant is classified as likely benign based on ACMG/AMP sequence variant interpretation guidelines (Richards et al. 2015 PMID: 25741868, with internal and published modifications).